The following is an entry in ClinVar:

NM_001184.4(ATR):c.2223C>A (p.Phe741Leu)

Gene: ATR (ATR checkpoint kinase; minus strand). Cytogenetic location: 3q23.
Variant type: single nucleotide variant.
Coding change: c.2223C>A on transcript NM_001184.4 (MANE Select); coding-DNA position 2223, C replaced by A.
Protein change: p.Phe741Leu; replaces phenylalanine 741 with leucine.
Molecular consequence: missense variant.
Genome position (GRCh38, 1-based): chr3:142,555,995, G>T on the plus strand (C>A on the coding strand, the complement: ATR is on the minus strand). VCF-style: chr3-142555995-G-T. GRCh37 (hg19) VCF-style: chr3-142274837-G-T.
Other names: c.2031C>A, p.Phe677Leu (NM_001354579.2); short protein forms F677L, F741L.
Identifiers: ClinVar variation 3221077 (VCV003221077.1), dbSNP rs775660456, ClinGen allele CA354818728.

ClinVar aggregate classification (germline): Uncertain significance (1 of 4 stars; one submission).

Conditions:
Inborn genetic diseases. Identifiers: MedGen C0950123, MeSH D030342.

Submission:

Ambry Genetics
Classification: Uncertain significance for Inborn genetic diseases. Last evaluated: 2023-10-16. Review status: criteria provided, single submitter. Criteria: Ambry Variant Classification Scheme 2023. Collection method: clinical testing. Allele origin: germline.
Comment: The p.F741L variant (also known as c.2223C>A), located in coding exon 10 of the ATR gene, results from a C to A substitution at nucleotide position 2223. The phenylalanine at codon 741 is replaced by leucine, an amino acid with highly similar properties. This amino acid position is conserved. In addition, this alteration is predicted to be tolerated by in silico analysis. Since supporting evidence is limited at this time, the clinical significance of this alteration remains unclear.